The following is an entry in ClinVar:

ClinVar aggregate classification (germline): Uncertain significance. Review status: criteria provided, multiple submitters, no conflicts (2 of 4 stars). 2 submissions from 2 submitters: Uncertain significance (2). Last evaluated 2025-11-28.

Allele frequency attached by ClinVar (database versions not stated): 1000 Genomes Project 30x 0.00031; 1000 Genomes Project 0.00040.
gnomAD v4.1: 47 of 1,614,178 alleles (0.0029%); highest among the groups gnomAD compares: Middle Eastern, 0.12%; no homozygotes.

Submissions (2):

Labcorp Genetics (formerly Invitae), Labcorp
Classification: Uncertain significance. Last evaluated: 2025-11-28. Review status: criteria provided, single submitter. Criteria: Invitae Variant Classification Sherloc (09022015). Collection method: clinical testing. Allele origin: germline.
Comment: This sequence change replaces glutamic acid, which is acidic and polar, with lysine, which is basic and polar, at codon 152 of the ANKZF1 protein (p.Glu152Lys). This variant is present in population databases (rs149382949, gnomAD 0.006%). This missense change has been observed in individual(s) with infantile-onset inflammatory bowel disease (PMID: 28302725). ClinVar contains an entry for this variant (Variation ID: 1053898). An algorithm developed to predict the effect of missense changes on protein structure and function (PolyPhen-2) suggests that this variant is likely to be tolerated. Experimental studies have shown that this missense change affects ANKZF1 function (PMID: 28302725). In summary, the available evidence is currently insufficient to determine the role of this variant in disease. Therefore, it has been classified as a Variant of Uncertain Significance.

Breakthrough Genomics
Classification: Uncertain significance. Review status: criteria provided, single submitter. Criteria: ACMG Guidelines, 2015. Collection method: not provided. Allele origin: germline. Inheritance: Unknown mechanism. Affected: yes.

Literature cited by the submitters: PubMed 28302725 (cited by Labcorp Genetics (formerly Invitae), Labcorp).

NM_018089.3(ANKZF1):c.454G>A (p.Glu152Lys)

Gene: ANKZF1 (ankyrin repeat and zinc finger peptidyl tRNA hydrolase 1; plus strand). Cytogenetic location: 2q35.
Variant type: single nucleotide variant.
Coding change: c.454G>A on transcript NM_018089.3 (MANE Select); coding-DNA position 454, G replaced by A.
Protein change: p.Glu152Lys; replaces glutamic acid 152 with lysine.
Molecular consequence: missense variant. On other transcripts: 5 prime UTR variant (1).
Genome position (GRCh38, 1-based): chr2:219,232,579, G>A. VCF-style: chr2-219232579-G-A. GRCh37 (hg19) VCF-style: chr2-220097301-G-A.
Other names: c.454G>A, p.Glu152Lys (NM_001042410.2); c.-177G>A (NM_001282792.2); short protein forms E152K.
Identifiers: ClinVar variation 1053898 (VCV001053898.10), dbSNP rs149382949, ClinGen allele CA2120757.